The following is an entry in ClinVar:

ClinVar aggregate classification (germline): Uncertain significance (1 of 4 stars; one submission).

Allele frequency attached by ClinVar (database versions not stated): TOPMed below 0.00001; gnomAD 0.00001.
gnomAD v4.1: 1 of 1,613,646 alleles (0.000062%); highest among the groups gnomAD compares: East Asian, 0.0022%; no homozygotes.

Submission:

GeneDx
Classification: Uncertain significance. Last evaluated: 2025-04-15. Review status: criteria provided, single submitter. Criteria: GeneDx Variant Classification Process June 2021. Collection method: clinical testing. Allele origin: germline. Affected: yes.
Comment: Not observed at significant frequency in large population cohorts (gnomAD); In silico analysis supports that this missense variant has a deleterious effect on protein structure/function; Has not been previously published as pathogenic or benign to our knowledge

NM_001363711.2(DUOX2):c.4075C>A (p.Pro1359Thr)

Gene: DUOX2 (dual oxidase 2; minus strand). Cytogenetic location: 15q21.1.
Variant type: single nucleotide variant.
Coding change: c.4075C>A on transcript NM_001363711.2 (MANE Select); coding-DNA position 4075, C replaced by A.
Protein change: p.Pro1359Thr; replaces proline 1359 with threonine.
Molecular consequence: missense variant.
Genome position (GRCh38, 1-based): chr15:45,095,833, G>T on the plus strand (C>A on the coding strand, the complement: DUOX2 is on the minus strand). VCF-style: chr15-45095833-G-T. GRCh37 (hg19) VCF-style: chr15-45388031-G-T.
Other names: c.4075C>A, p.Pro1359Thr (NM_014080.5); short protein forms P1359T.
Identifiers: ClinVar variation 432828 (VCV000432828.3), dbSNP rs1424506821, ClinGen allele CA392253366.